The following is an entry in ClinVar:

NM_007215.4(POLG2):c.747C>G (p.Asn249Lys)

Genes: POLG2 (DNA polymerase gamma 2, accessory subunit; minus strand), MILR1 (mast cell immunoglobulin like receptor 1; plus strand). Cytogenetic location: 17q23.3.
Variant type: single nucleotide variant.
Coding change: c.747C>G on transcript NM_007215.4 (MANE Select); coding-DNA position 747, C replaced by G.
Protein change: p.Asn249Lys; replaces asparagine 249 with lysine.
Molecular consequence: missense variant.
Genome position (GRCh38, 1-based): chr17:64,492,715, G>C on the plus strand (C>G on the coding strand, the complement: POLG2 is on the minus strand). VCF-style: chr17-64492715-G-C. GRCh37 (hg19) VCF-style: chr17-62488832-G-C.
Other names: short protein forms N249K.
Identifiers: ClinVar variation 1381295 (VCV001381295.8), dbSNP rs1568090386, ClinGen allele CA400639026.

ClinVar aggregate classification (germline): Uncertain significance (1 of 4 stars; one submission).

gnomAD v4.1: 2 of 1,613,272 alleles (0.00012%); highest among the groups gnomAD compares: Non-Finnish European, 0.00017%; no homozygotes.

Submission:

Labcorp Genetics (formerly Invitae), Labcorp
Classification: Uncertain significance. Last evaluated: 2021-03-24. Review status: criteria provided, single submitter. Criteria: Invitae Variant Classification Sherloc (09022015). Collection method: clinical testing. Allele origin: germline.
Comment: Algorithms developed to predict the effect of missense changes on protein structure and function (SIFT, PolyPhen-2, Align-GVGD) all suggest that this variant is likely to be tolerated, but these predictions have not been confirmed by published functional studies and their clinical significance is uncertain. In summary, the available evidence is currently insufficient to determine the role of this variant in disease. Therefore, it has been classified as a Variant of Uncertain Significance. This variant has not been reported in the literature in individuals with POLG2-related conditions. This variant is not present in population databases (ExAC no frequency). This sequence change replaces asparagine with lysine at codon 249 of the POLG2 protein (p.Asn249Lys). The asparagine residue is weakly conserved and there is a moderate physicochemical difference between asparagine and lysine.